The following is an entry in ClinVar:

NM_182916.3(TRNT1):c.1078A>G (p.Thr360Ala)

Gene: TRNT1 (tRNA nucleotidyl transferase 1; plus strand). Cytogenetic location: 3p26.2.
Variant type: single nucleotide variant.
Coding change: c.1078A>G on transcript NM_182916.3 (MANE Select); coding-DNA position 1078, A replaced by G.
Protein change: p.Thr360Ala; replaces threonine 360 with alanine.
Molecular consequence: missense variant. On other transcripts: non-coding transcript variant (8).
Genome position (GRCh38, 1-based): chr3:3,147,927, A>G. VCF-style: chr3-3147927-A-G. GRCh37 (hg19) VCF-style: chr3-3189611-A-G.
Other names: c.1018A>G, p.Thr340Ala (NM_001302946.2); c.1078A>G, p.Thr360Ala (NM_001367321.1, NM_001367322.1, NM_001367323.1); short protein forms T340A, T360A.
Identifiers: ClinVar variation 2161280 (VCV002161280.4), dbSNP rs1186339862, ClinGen allele CA351448600.

ClinVar aggregate classification (germline): Uncertain significance (1 of 4 stars; one submission).

Conditions:
Congenital sideroblastic anemia-B-cell immunodeficiency-periodic fever-developmental delay syndrome. Also called: Sideroblastic anemia with B-cell immunodeficiency, periodic fevers, and developmental delay. Identifiers: Orphanet 369861, MedGen C4015172, MONDO:0014487, OMIM 616084.

Allele frequency attached by ClinVar (database versions not stated): TOPMed 0.00001.
gnomAD v4.1: 9 of 1,613,308 alleles (0.00056%); highest among the groups gnomAD compares: Non-Finnish European, 0.00076%; no homozygotes.

Submission:

Labcorp Genetics (formerly Invitae), Labcorp
Classification: Uncertain significance for Congenital sideroblastic anemia-B-cell immunodeficiency-periodic fever-developmental delay syndrome. Last evaluated: 2022-08-22. Review status: criteria provided, single submitter. Criteria: Invitae Variant Classification Sherloc (09022015). Collection method: clinical testing. Allele origin: germline.
Comment: In summary, the available evidence is currently insufficient to determine the role of this variant in disease. Therefore, it has been classified as a Variant of Uncertain Significance. Algorithms developed to predict the effect of missense changes on protein structure and function output the following: SIFT: "Tolerated"; PolyPhen-2: "Benign"; Align-GVGD: "Class C0". The alanine amino acid residue is found in multiple mammalian species, which suggests that this missense change does not adversely affect protein function. This variant has not been reported in the literature in individuals affected with TRNT1-related conditions. This variant is present in population databases (no rsID available, gnomAD 0.0009%). This sequence change replaces threonine, which is neutral and polar, with alanine, which is neutral and non-polar, at codon 360 of the TRNT1 protein (p.Thr360Ala).